The following is an entry in ClinVar:

ClinVar aggregate classification (germline): Uncertain significance (1 of 4 stars; one submission).

Conditions:
Charcot-Marie-Tooth disease axonal type 2O. Also called: Charcot-Marie-Tooth disease, axonal, type 20; CHARCOT-MARIE-TOOTH NEUROPATHY, AXONAL, TYPE 2O; CHARCOT-MARIE-TOOTH DISEASE, AXONAL, AUTOSOMAL DOMINANT, TYPE 2O; Charcot-Marie-Tooth Neuropathy Type 2O. Identifiers: Orphanet 284232, MedGen C3280220, MONDO:0013644, OMIM 614228.

Submission:

Labcorp Genetics (formerly Invitae), Labcorp
Classification: Uncertain significance for Charcot-Marie-Tooth disease axonal type 2O. Last evaluated: 2023-12-12. Review status: criteria provided, single submitter. Criteria: Invitae Variant Classification Sherloc (09022015). Collection method: clinical testing. Allele origin: germline.
Comment: This sequence change falls in intron 29 of the DYNC1H1 gene. It does not directly change the encoded amino acid sequence of the DYNC1H1 protein. It affects a nucleotide within the consensus splice site. This variant is not present in population databases (gnomAD no frequency). This variant has not been reported in the literature in individuals affected with DYNC1H1-related conditions. Variants that disrupt the consensus splice site are a relatively common cause of aberrant splicing (PMID: 17576681, 9536098). Algorithms developed to predict the effect of sequence changes on RNA splicing suggest that this variant is not likely to affect RNA splicing. In summary, the available evidence is currently insufficient to determine the role of this variant in disease. Therefore, it has been classified as a Variant of Uncertain Significance.

Literature cited by the submitters: PubMed 17576681; PubMed 9536098.

NM_001376.5(DYNC1H1):c.5977+6A>C

Gene: DYNC1H1 (dynein cytoplasmic 1 heavy chain 1; plus strand). Cytogenetic location: 14q32.31.
Variant type: single nucleotide variant.
Coding change: c.5977+6A>C on transcript NM_001376.5 (MANE Select); 6 bases into the intron after coding-DNA position 5977, A replaced by C.
Molecular consequence: intron variant.
Genome position (GRCh38, 1-based): chr14:102,008,343, A>C. VCF-style: chr14-102008343-A-C. GRCh37 (hg19) VCF-style: chr14-102474680-A-C.
Identifiers: ClinVar variation 2888065 (VCV002888065.3), dbSNP rs2503747218, ClinGen allele CA2739279877.